The following is an entry in ClinVar:

ClinVar aggregate classification (germline): Uncertain significance (1 of 4 stars; one submission).

Conditions:
Hereditary cancer-predisposing syndrome. Also called: Neoplastic Syndromes, Hereditary; Tumor predisposition; Hereditary Cancer Syndrome; Hereditary neoplastic syndrome. Identifiers: Orphanet 140162, MedGen C0027672, MeSH D009386, MONDO:0015356.

Submission:

Ambry Genetics
Classification: Uncertain significance for Hereditary cancer-predisposing syndrome. Last evaluated: 2025-11-12. Review status: criteria provided, single submitter. Criteria: Ambry Variant Classification Scheme 2023. Collection method: clinical testing. Allele origin: germline.
Comment: The c.430_432delAAT variant (also known as p.N144del) is located in coding exon 3 of the PRKAR1A gene. This variant results from an in-frame AAT deletion at nucleotide positions 430 to 432. This results in the in-frame deletion of an asparagine at codon 144. This amino acid position is highly conserved in available vertebrate species. In addition, this variant is predicted to be deleterious by in silico analysis (Choi Y et al. PLoS ONE. 2012; 7(10):e46688). Based on the available evidence, the clinical significance of this variant remains unclear.

NM_002734.5(PRKAR1A):c.430_432del (p.Asn144del)

Gene: PRKAR1A (protein kinase cAMP-dependent type I regulatory subunit alpha; plus strand). Cytogenetic location: 17q24.2.
Variant type: Deletion.
Coding change: c.430_432del on transcript NM_002734.5 (MANE Select); coding-DNA positions 430 to 432, 3 bases deleted (AAT; older notation c.430_432delAAT).
Protein change: p.Asn144del; deletes asparagine 144.
Molecular consequence: inframe deletion.
Genome position (GRCh38, 1-based): chr17:68,523,806-68,523,808, AAT deleted; deleting any 3 consecutive bases within chr17:68,523,804-68,523,808 gives the same sequence; the c. name uses the placement nearest the transcript's 3' end. VCF-style (leftmost placement, unchanged base first): chr17-68523803-GATA-G. GRCh37 (hg19) VCF-style: chr17-66519944-GATA-G.
Other names: c.430_432del, p.Asn144del (NM_001276289.2, NM_001276290.1, NM_001278433.2 and 4 more transcripts); short protein forms N144del.
Identifiers: ClinVar variation 4674088 (VCV004674088.1).